The following is an entry in ClinVar:

NM_001365480.1(CCDC88A):c.3095G>A (p.Arg1032Gln)

Gene: CCDC88A (coiled-coil domain containing 88A; minus strand). Cytogenetic location: 2p16.1.
Variant type: single nucleotide variant.
Coding change: c.3095G>A on transcript NM_001365480.1 (MANE Select); coding-DNA position 3095, G replaced by A.
Protein change: p.Arg1032Gln; replaces arginine 1032 with glutamine.
Molecular consequence: missense variant.
Genome position (GRCh38, 1-based): chr2:55,322,595, C>T on the plus strand (G>A on the coding strand, the complement: CCDC88A is on the minus strand). VCF-style: chr2-55322595-C-T. GRCh37 (hg19) VCF-style: chr2-55549731-C-T.
Other names: c.3092G>A, p.Arg1031Gln (NM_001135597.2, NM_001254943.2); c.3095G>A, p.Arg1032Gln (NM_018084.5); short protein forms R1032Q, R1031Q.
Identifiers: ClinVar variation 1410965 (VCV001410965.4), dbSNP rs201678253, ClinGen allele CA1665842.

ClinVar aggregate classification (germline): Uncertain significance (1 of 4 stars; one submission).

Allele frequency attached by ClinVar (database versions not stated): gnomAD exomes 0.00003 and 0.00001; gnomAD 0.00001; TOPMed 0.00002; ExAC 0.00003.
gnomAD v4.1: 15 of 1,608,180 alleles (0.00093%); highest among the groups gnomAD compares: South Asian, 0.0033%; no homozygotes.

Submission:

Labcorp Genetics (formerly Invitae), Labcorp
Classification: Uncertain significance. Last evaluated: 2024-03-11. Review status: criteria provided, single submitter. Criteria: Invitae Variant Classification Sherloc (09022015). Collection method: clinical testing. Allele origin: germline.
Comment: This sequence change replaces arginine, which is basic and polar, with glutamine, which is neutral and polar, at codon 1031 of the CCDC88A protein (p.Arg1031Gln). This variant is present in population databases (rs201678253, gnomAD 0.007%). This variant has not been reported in the literature in individuals affected with CCDC88A-related conditions. ClinVar contains an entry for this variant (Variation ID: 1410965). An algorithm developed to predict the effect of missense changes on protein structure and function (PolyPhen-2) suggests that this variant¬†is likely to be tolerated. In summary, the available evidence is currently insufficient to determine the role of this variant in disease. Therefore, it has been classified as a Variant of Uncertain Significance.